The following is an entry in ClinVar:

NM_000238.4(KCNH2):c.2437G>A (p.Ala813Thr)

Gene: KCNH2 (potassium voltage-gated channel subfamily H member 2; minus strand). Cytogenetic location: 7q36.1.
Variant type: single nucleotide variant.
Coding change: c.2437G>A on transcript NM_000238.4 (MANE Select); coding-DNA position 2437, G replaced by A.
Protein change: p.Ala813Thr; replaces alanine 813 with threonine.
Molecular consequence: missense variant.
Genome position (GRCh38, 1-based): chr7:150,949,011, C>T on the plus strand (G>A on the coding strand, the complement: KCNH2 is on the minus strand). VCF-style: chr7-150949011-C-T. GRCh37 (hg19) VCF-style: chr7-150646099-C-T.
Other names: c.1417G>A, p.Ala473Thr (NM_172057.3); short protein forms A473T, A813T.
Identifiers: ClinVar variation 928527 (VCV000928527.1), dbSNP rs1801032078, ClinGen allele CA369855306.
Genomic context (GRCh38, chr7:150,949,011, plus strand): 5'-TCTTGTGTAGGTCACAGTAGGTGAGGGCCCGCACATCCCCGTTCGACTTGCCAGGCCTTG[C>T]ATACAGGTTCAGAGGCTCCCCAAAGATGTCATTCTTCCCTGGAGGCCATGGAGAGGACAG-3'
Protein context (NP_000229.1, residues 803-823): DIFGEPLNLY[Ala813Thr]RPGKSNGDVR

ClinVar aggregate classification (germline): Uncertain significance (1 of 4 stars; one submission).

Submission:

Women's Health and Genetics/Laboratory Corporation of America, LabCorp
Classification: Uncertain significance. Last evaluated: 2019-05-06. Review status: criteria provided, single submitter. Criteria: LabCorp Variant Classification Summary - May 2015. Collection method: clinical testing. Allele origin: germline.
Comment: Variant summary: KCNH2 c.2437G>A (p.Ala813Thr) results in a non-conservative amino acid change located in the Cyclic nucleotide-binding domain (IPR000595) of the encoded protein sequence. Three of five in-silico tools predict a damaging effect of the variant on protein function. The variant was absent in 251402 control chromosomes. The available data on variant occurrences in the general population are insufficient to allow any conclusion about variant significance. To our knowledge, no occurrence of c.2437G>A in individuals affected with Arrhythmia and no experimental evidence demonstrating its impact on protein function have been reported. No clinical diagnostic laboratories have submitted clinical-significance assessments for this variant to ClinVar after 2014. Based on the evidence outlined above, the variant was classified as uncertain significance.